The following is an entry in ClinVar:

NM_000051.4(ATM):c.5383_5384del (p.Trp1795fs)

Gene: ATM (ATM serine/threonine kinase; plus strand). Cytogenetic location: 11q22.3.
Variant type: Microsatellite.
Coding change: c.5383_5384del on transcript NM_000051.4 (MANE Select); coding-DNA positions 5383 to 5384, 2 bases deleted (TG; older notation c.5383_5384delTG).
Protein change: p.Trp1795fs; shifts the reading frame from tryptophan 1795.
Molecular consequence: frameshift variant.
Genome position (GRCh38, 1-based): chr11:108,302,916-108,302,917, TG deleted; deleting any 2 consecutive bases within chr11:108,302,914-108,302,917 gives the same sequence; the c. name uses the placement nearest the transcript's 3' end. VCF-style (leftmost placement, unchanged base first): chr11-108302913-CTG-C. GRCh37 (hg19) VCF-style: chr11-108173640-CTG-C.
Other names: c.5383_5384del, p.Trp1795fs (NM_001351834.2); c.5383_5384delTG (NM_000051.3); short protein forms W1795fs.
Identifiers: ClinVar variation 1070606 (VCV001070606.8), dbSNP rs1474055596, ClinGen allele CA602132838.

ClinVar aggregate classification (germline): Pathogenic. Review status: criteria provided, multiple submitters, no conflicts (2 of 4 stars). 2 submissions from 2 submitters: Pathogenic (2). Last evaluated 2024-12-08.

Conditions:
Hereditary cancer-predisposing syndrome. Also called: Tumor predisposition; Neoplastic Syndromes, Hereditary; Hereditary neoplastic syndrome; Hereditary Cancer Syndrome. Identifiers: Orphanet 140162, MedGen C0027672, MeSH D009386, MONDO:0015356.
Ataxia-telangiectasia syndrome (AT). Also called: LOUIS-BAR SYNDROME; Ataxia-telangiectasia, complementation group D; AT, COMPLEMENTATION GROUP C; Cerebello-oculocutaneous telangiectasia; Immunodeficiency with ataxia telangiectasia; ATAXIA-TELANGIECTASIA, COMPLEMENTATION GROUP A. Identifiers: Orphanet 100, MedGen C0004135, MONDO:0008840, OMIM 208900.

Submissions (2):

Ambry Genetics
Classification: Pathogenic for Hereditary cancer-predisposing syndrome. Last evaluated: 2024-12-08. Review status: criteria provided, single submitter. Criteria: Ambry Variant Classification Scheme 2023. Collection method: clinical testing. Allele origin: germline.
Comment: The c.5383_5384delTG pathogenic mutation, located in coding exon 35 of the ATM gene, results from a deletion of two nucleotides at nucleotide positions 5383 to 5384, causing a translational frameshift with a predicted alternate stop codon (p.W1795Dfs*5). This alteration is expected to result in loss of function by premature protein truncation or nonsense-mediated mRNA decay. In addition, this variant is considered to be rare based on population cohorts in the Genome Aggregation Database (gnomAD). As such, this alteration is interpreted as a disease-causing mutation.

Labcorp Genetics (formerly Invitae), Labcorp
Classification: Pathogenic for Ataxia-telangiectasia syndrome. Last evaluated: 2024-10-30. Review status: criteria provided, single submitter. Criteria: Invitae Variant Classification Sherloc (09022015). Collection method: clinical testing. Allele origin: germline.
Comment: This sequence change creates a premature translational stop signal (p.Trp1795Aspfs*5) in the ATM gene. It is expected to result in an absent or disrupted protein product. Loss-of-function variants in ATM are known to be pathogenic (PMID: 23807571, 25614872). This variant is present in population databases (no rsID available, gnomAD 0.003%). This variant has not been reported in the literature in individuals affected with ATM-related conditions. For these reasons, this variant has been classified as Pathogenic.

Literature cited by the submitters: PubMed 23807571 (cited by Labcorp Genetics (formerly Invitae), Labcorp); PubMed 25614872 (cited by Labcorp Genetics (formerly Invitae), Labcorp).